The following is an entry in ClinVar:

ClinVar aggregate classification (germline): Uncertain significance (1 of 4 stars; one submission).

Submission:

CeGaT Center for Human Genetics Tuebingen
Classification: Uncertain significance. Last evaluated: 2025-04-01. Review status: criteria provided, single submitter. Criteria: CeGaT Center For Human Genetics Tuebingen Variant Classification Criteria Version 2. Collection method: clinical testing. Allele origin: germline. Affected: yes. Observed: 1 variant allele.
Comment: KLLN: PM2, BP4

NM_001126049.2(KLLN):c.268T>A (p.Ser90Thr)

Gene: KLLN (killin, p53 regulated DNA replication inhibitor; minus strand). Cytogenetic location: 10q23.31.
Variant type: single nucleotide variant.
Coding change: c.268T>A on transcript NM_001126049.2 (MANE Select); coding-DNA position 268, T replaced by A.
Protein change: p.Ser90Thr; replaces serine 90 with threonine.
Molecular consequence: missense variant.
Genome position (GRCh38, 1-based): chr10:87,862,220, A>T on the plus strand (T>A on the coding strand, the complement: KLLN is on the minus strand). VCF-style: chr10-87862220-A-T. GRCh37 (hg19) VCF-style: chr10-89621977-A-T.
Other names: short protein forms S90T.
Identifiers: ClinVar variation 3898562 (VCV003898562.7).